The following is an entry in ClinVar:

ClinVar aggregate classification (germline): Conflicting classifications of pathogenicity. Review status: criteria provided, conflicting classifications (1 of 4 stars). 4 submissions from 4 submitters: Uncertain significance (1); Likely benign (3). Last evaluated 2026-01-24.

Conditions:
PLCE1-related disorder. Also called: PLCE1-related condition.
Nephrotic syndrome, type 3 (NPHS3). Also called: NEPHROTIC SYNDROME, EARLY-ONSET, TYPE 3. Identifiers: Orphanet 656, MedGen C1853124, MONDO:0012546, OMIM 610725.

Allele frequency attached by ClinVar (database versions not stated): gnomAD exomes 0.00001 and 0.00003; ExAC 0.00003; TOPMed 0.00009; gnomAD 0.00012 and 0.00013; ESP Exome Variant Server 0.00016.
gnomAD v4.1: 35 of 1,614,014 alleles (0.0022%); highest among the groups gnomAD compares: African/African-American, 0.045%; no homozygotes.

Submissions (4):

PreventionGenetics, part of Exact Sciences
Classification: Likely benign for PLCE1-related condition. Last evaluated: 2026-01-24. Review status: criteria provided, single submitter. Criteria: ACMG Guidelines, 2015. Collection method: clinical testing. Allele origin: germline.
Comment: This variant is classified as likely benign based on ACMG/AMP sequence variant interpretation guidelines (Richards et al. 2015 PMID: 25741868, with internal and published modifications).

Labcorp Genetics (formerly Invitae), Labcorp
Classification: Likely benign. Last evaluated: 2025-08-17. Review status: criteria provided, single submitter. Criteria: Invitae Variant Classification Sherloc (09022015). Collection method: clinical testing. Allele origin: germline.

Fulgent Genetics
Classification: Likely benign for Nephrotic syndrome, type 3. Last evaluated: 2024-03-01. Review status: criteria provided, single submitter. Criteria: ACMG Guidelines, 2015. Collection method: clinical testing. Allele origin: germline.

Illumina Laboratory Services, Illumina
Classification: Uncertain significance for Nephrotic syndrome, type 3. Last evaluated: 2018-01-13. Review status: criteria provided, single submitter. Criteria: ICSL Variant Classification Criteria 13 December 2019. Collection method: clinical testing. Allele origin: germline.

NM_016341.4(PLCE1):c.1698T>A (p.Pro566=)

Gene: PLCE1 (phospholipase C epsilon 1; plus strand). Cytogenetic location: 10q23.33.
Variant type: single nucleotide variant.
Coding change: c.1698T>A on transcript NM_016341.4 (MANE Select); coding-DNA position 1698, T replaced by A.
Protein change: p.Pro566=; no amino-acid change (proline 566 retained).
Molecular consequence: synonymous variant.
Genome position (GRCh38, 1-based): chr10:94,171,385, T>A. VCF-style: chr10-94171385-T-A. GRCh37 (hg19) VCF-style: chr10-95931142-T-A.
Other names: c.774T>A, p.Pro258= (NM_001165979.2); c.1698T>A, p.Pro566= (NM_001288989.2).
Identifiers: ClinVar variation 301701 (VCV000301701.9), dbSNP rs377307234, ClinGen allele CA5612448.